The following is an entry in ClinVar:

ClinVar aggregate classification (germline): Likely benign. Review status: criteria provided, multiple submitters, no conflicts (2 of 4 stars). 3 submissions from 3 submitters: Likely benign (3). Last evaluated 2025-04-20.

Conditions:
Cornelia de Lange syndrome 1 (CDLS1). Also called: TYPUS DEGENERATIVUS AMSTELODAMENSIS; NIPBL-Related Cornelia de Lange Syndrome; Brachmann de Lange syndrome. Identifiers: Orphanet 199, MedGen C4551851, MONDO:0007387, OMIM 122470.

Allele frequency attached by ClinVar (database versions not stated): gnomAD 0.00010 and 0.00011; TOPMed 0.00013; ExAC 0.00017; gnomAD exomes 0.00019; 1000 Genomes Project 0.00020; ESP Exome Variant Server 0.00023; 1000 Genomes Project 30x 0.00031.
gnomAD v4.1: 403 of 1,612,628 alleles (0.025%); highest among the groups gnomAD compares: Non-Finnish European, 0.032%; 1 homozygote.

Submissions (3):

Labcorp Genetics (formerly Invitae), Labcorp
Classification: Likely benign for Cornelia de Lange syndrome 1. Last evaluated: 2025-04-20. Review status: criteria provided, single submitter. Criteria: Invitae Variant Classification Sherloc (09022015). Collection method: clinical testing. Allele origin: germline.

Blueprint Genetics
Classification: Likely benign. Last evaluated: 2024-11-21. Review status: criteria provided, single submitter. Criteria: ACMG Guidelines, 2015. Collection method: clinical testing. Allele origin: germline.

Illumina Laboratory Services, Illumina
Classification: Likely benign for Cornelia de Lange syndrome 1. Last evaluated: 2018-01-13. Review status: criteria provided, single submitter. Criteria: ICSL Variant Classification Criteria 13 December 2019. Collection method: clinical testing. Allele origin: germline.
Comment: This variant was observed in the ICSL laboratory as part of a predisposition screen in an ostensibly healthy population. It had not been previously curated by ICSL or reported in the Human Gene Mutation Database (HGMD: prior to June 1st, 2018), and was therefore a candidate for classification through an automated scoring system. Utilizing variant allele frequency, disease prevalence and penetrance estimates, and inheritance mode, an automated score was calculated to assess if this variant is too frequent to cause the disease. Based on the score and internal cut-off values, a variant classified as likely benign is not then subjected to further curation. The score for this variant resulted in a classification of likely benign for this disease.

NM_133433.4(NIPBL):c.4776+12G>A

Gene: NIPBL (NIPBL cohesin loading factor; plus strand). Cytogenetic location: 5p13.2.
Variant type: single nucleotide variant.
Coding change: c.4776+12G>A on transcript NM_133433.4 (MANE Select); 12 bases into the intron after coding-DNA position 4776, G replaced by A.
Molecular consequence: intron variant.
Genome position (GRCh38, 1-based): chr5:37,016,182, G>A. VCF-style: chr5-37016182-G-A. GRCh37 (hg19) VCF-style: chr5-37016284-G-A.
Other names: c.4776+12G>A (NM_015384.5).
Identifiers: ClinVar variation 353382 (VCV000353382.10), dbSNP rs199632698, ClinGen allele CA3236623.
Genomic context (GRCh38, chr5:37,016,182, plus strand): 5'-TGAATGGCCAGCTGCTGAACTACTCCTTAGTTTGTTAGGGAGACTGTTGGTAAGAGTATA[G>A]CATTTAAAGATTATTAGATTACTAGAAGACAACATAATGAGGATGTACTCTGATTCACAG-3'